The following is an entry in ClinVar:

ClinVar aggregate classification (germline): Likely benign. Review status: criteria provided, multiple submitters, no conflicts (2 of 4 stars). 3 submissions from 3 submitters: Likely benign (3). Last evaluated 2024-10-01.

Conditions:
Long QT syndrome (LQTS). Identifiers: MedGen C0023976, MeSH D008133, MONDO:0002442. Disease mechanism: loss of function. Inheritance: Various modes of inheritance.

gnomAD v4.1: 20 of 1,315,278 alleles (0.0015%); highest among the groups gnomAD compares: Non-Finnish European, 0.0019%; no homozygotes.

Submissions (3):

CeGaT Center for Human Genetics Tuebingen
Classification: Likely benign. Last evaluated: 2024-10-01. Review status: criteria provided, single submitter. Criteria: CeGaT Center For Human Genetics Tuebingen Variant Classification Criteria Version 2. Collection method: clinical testing. Allele origin: germline. Affected: yes. Observed: 1 variant allele.
Comment: KCNQ1: BP4, BP7

Labcorp Genetics (formerly Invitae), Labcorp
Classification: Likely benign for Long QT syndrome. Last evaluated: 2024-03-01. Review status: criteria provided, single submitter. Criteria: Invitae Variant Classification Sherloc (09022015). Collection method: clinical testing. Allele origin: germline.

Blueprint Genetics
Classification: Likely benign. Last evaluated: 2023-11-08. Review status: criteria provided, single submitter. Criteria: ACMG Guidelines, 2015. Collection method: clinical testing. Allele origin: germline.

NM_000218.3(KCNQ1):c.186G>C (p.Ala62=)

Gene: KCNQ1 (potassium voltage-gated channel subfamily Q member 1; plus strand). Cytogenetic location: 11p15.5.
Variant type: single nucleotide variant.
Coding change: c.186G>C on transcript NM_000218.3 (MANE Select); coding-DNA position 186, G replaced by C.
Protein change: p.Ala62=; no amino-acid change (alanine 62 retained).
Molecular consequence: synonymous variant. On other transcripts: 5 prime UTR variant (1).
Genome position (GRCh38, 1-based): chr11:2,445,284, G>C. VCF-style: chr11-2445284-G-C. GRCh37 (hg19) VCF-style: chr11-2466514-G-C.
Other names: c.186G>C, p.Ala62= (NM_001406836.1, NM_001406838.1); c.-177G>C (NM_001406837.1).
Identifiers: ClinVar variation 2025770 (VCV002025770.19), dbSNP rs1306372525, ClinGen allele CA472415826.